The following is an entry in ClinVar:

NM_001164508.2(NEB):c.23637C>G (p.Asp7879Glu)

Genes: NEB (nebulin; minus strand), RIF1 (replication timing regulatory factor 1; plus strand). Cytogenetic location: 2q23.3.
Variant type: single nucleotide variant.
Coding change: c.23637C>G on transcript NM_001164508.2 (MANE Select); coding-DNA position 23637, C replaced by G.
Protein change: p.Asp7879Glu; replaces aspartic acid 7879 with glutamic acid.
Molecular consequence: missense variant.
Genome position (GRCh38, 1-based): chr2:151,506,178, G>C on the plus strand (C>G on the coding strand, the complement: NEB is on the minus strand). VCF-style: chr2-151506178-G-C. GRCh37 (hg19) VCF-style: chr2-152362692-G-C.
Other names: c.18534C>G (NM_004543.4); c.23637C>G, p.Asp7879Glu (NM_001164507.2); c.23742C>G, p.Asp7914Glu (NM_001271208.2); c.18534C>G, p.Asp6178Glu (NM_004543.5); short protein forms D7879E, D6178E, D7914E.
Identifiers: ClinVar variation 963298 (VCV000963298.15), dbSNP rs374029795, ClinGen allele CA1906307.

ClinVar aggregate classification (germline): Uncertain significance. Review status: criteria provided, multiple submitters, no conflicts (2 of 4 stars). 5 submissions from 5 submitters: Uncertain significance (4). 1 of the submissions does not count toward it. Last evaluated 2025-04-29.

Conditions:
Nemaline myopathy 2 (NEM2). Also called: Nemaline myopathy 2, autosomal recessive. Identifiers: MedGen C1850569, MONDO:0009725, OMIM 256030.
Inborn genetic diseases. Identifiers: MedGen C0950123, MeSH D030342.

Allele frequency attached by ClinVar (database versions not stated): gnomAD exomes 0.00001; TOPMed 0.00001; gnomAD 0.00002; ExAC 0.00002; ESP Exome Variant Server 0.00008.
gnomAD v4.1: 47 of 1,611,558 alleles (0.0029%); highest among the groups gnomAD compares: Non-Finnish European, 0.0037%; no homozygotes.

Submissions (5):

Revvity Omics, Revvity
Classification: Uncertain significance. Last evaluated: 2025-04-29. Review status: criteria provided, single submitter. Criteria: ACMG Guidelines, 2015. Collection method: clinical testing. Allele origin: germline.

Ambry Genetics
Classification: Uncertain significance for Inborn genetic diseases. Last evaluated: 2024-10-06. Review status: criteria provided, single submitter. Criteria: Ambry Variant Classification Scheme 2023. Collection method: clinical testing. Allele origin: germline.

GeneDx
Classification: Uncertain significance. Last evaluated: 2024-08-30. Review status: criteria provided, single submitter. Criteria: GeneDx Variant Classification Process June 2021. Collection method: clinical testing. Allele origin: germline. Affected: yes.
Comment: Not observed at significant frequency in large population cohorts (gnomAD); In silico analysis indicates that this missense variant does not alter protein structure/function; Has not been previously published as pathogenic or benign to our knowledge

Labcorp Genetics (formerly Invitae), Labcorp
Classification: Uncertain significance for Nemaline myopathy 2. Last evaluated: 2023-12-06. Review status: criteria provided, single submitter. Criteria: Invitae Variant Classification Sherloc (09022015). Collection method: clinical testing. Allele origin: germline.
Comment: This sequence change replaces aspartic acid, which is acidic and polar, with glutamic acid, which is acidic and polar, at codon 7914 of the NEB protein (p.Asp7914Glu). This variant is present in population databases (rs374029795, gnomAD 0.004%). This variant has not been reported in the literature in individuals affected with NEB-related conditions. ClinVar contains an entry for this variant (Variation ID: 963298). Experimental studies and prediction algorithms are not available or were not evaluated, and the functional significance of this variant is currently unknown. In summary, the available evidence is currently insufficient to determine the role of this variant in disease. Therefore, it has been classified as a Variant of Uncertain Significance.

Natera, Inc.
Classification: Uncertain significance for Nemaline myopathy type 2. Last evaluated: 2020-01-24. Review status: no assertion criteria provided. Collection method: clinical testing. Allele origin: germline. Not counted in ClinVar's aggregate classification.